The following is an entry in ClinVar:

ClinVar aggregate classification (germline): Pathogenic (1 of 4 stars; one submission).

Submission:

Institute of Human Genetics, University of Goettingen
Classification: Pathogenic. Last evaluated: 2017-01-25. Review status: criteria provided, single submitter. Criteria: Institute of Human Genetics, HUG, CNV Assertion criteria, 20170113. Collection method: clinical testing. Allele origin: unknown. Affected: yes. Observed: 1 variant allele.
Comment: deletion comprises the MED13L gene that is associated with the MED13L haploinsufficiency syndrome (OMIM # 616789)

Literature cited by the submitters: PubMed 25758992; PubMed 25712080.

GRCh37/hg19 12q24.21(chr12:116064267-116750726)x1

Gene: MED13L (mediator complex subunit 13L; minus strand). Cytogenetic location: 12q24.21.
Variant type: copy number loss.
Change: copy number 1 (one copy instead of two) of chr12:116,064,267-116,750,726 (686.5 kb, GRCh37 coordinates, 1-based), cytogenetic band 12q24.21.
Identifiers: ClinVar variation 424638 (VCV000424638.3).